The following is an entry in ClinVar:

ClinVar aggregate classification (germline): Uncertain significance (1 of 4 stars; one submission).

Submission:

Labcorp Genetics (formerly Invitae), Labcorp
Classification: Uncertain significance. Last evaluated: 2024-10-23. Review status: criteria provided, single submitter. Criteria: Invitae Variant Classification Sherloc (09022015). Collection method: clinical testing. Allele origin: germline.
Comment: This sequence change replaces asparagine, which is neutral and polar, with isoleucine, which is neutral and non-polar, at codon 190 of the NSD1 protein (p.Asn190Ile). This variant is not present in population databases (gnomAD no frequency). This variant has not been reported in the literature in individuals affected with NSD1-related conditions. ClinVar contains an entry for this variant (Variation ID: 2048742). Invitae Evidence Modeling of protein sequence and biophysical properties (such as structural, functional, and spatial information, amino acid conservation, physicochemical variation, residue mobility, and thermodynamic stability) indicates that this missense variant is not expected to disrupt NSD1 protein function with a negative predictive value of 95%. In summary, the available evidence is currently insufficient to determine the role of this variant in disease. Therefore, it has been classified as a Variant of Uncertain Significance.

NM_022455.5(NSD1):c.569A>T (p.Asn190Ile)

Gene: NSD1 (nuclear receptor binding SET domain protein 1; plus strand). Cytogenetic location: 5q35.3.
Variant type: single nucleotide variant.
Coding change: c.569A>T on transcript NM_022455.5 (MANE Select); coding-DNA position 569, A replaced by T.
Protein change: p.Asn190Ile; replaces asparagine 190 with isoleucine.
Molecular consequence: missense variant. On other transcripts: intron variant (8).
Genome position (GRCh38, 1-based): chr5:177,135,672, A>T. VCF-style: chr5-177135672-A-T. GRCh37 (hg19) VCF-style: chr5-176562673-A-T.
Other names: c.-36-269A>T (NM_001365684.2, NM_001409305.1, NM_001409306.1 and 4 more transcripts); c.569A>T, p.Asn190Ile (NM_001409301.1, NM_001409302.1, NM_001409303.1); c.417+152A>T (NM_001409304.1); short protein forms N190I.
Identifiers: ClinVar variation 2048742 (VCV002048742.4), dbSNP rs1186156413, ClinGen allele CA362294397.